The following is an entry in ClinVar:

ClinVar aggregate classification (germline): Uncertain significance (1 of 4 stars; one submission).

Allele frequency attached by ClinVar (database versions not stated): gnomAD 0.00001; gnomAD exomes 0.00001; TOPMed 0.00001.
gnomAD v4.1: 12 of 1,614,030 alleles (0.00074%); highest among the groups gnomAD compares: Non-Finnish European, 0.00093%; no homozygotes.

Submission:

Labcorp Genetics (formerly Invitae), Labcorp
Classification: Uncertain significance. Last evaluated: 2022-07-14. Review status: criteria provided, single submitter. Criteria: Invitae Variant Classification Sherloc (09022015). Collection method: clinical testing. Allele origin: germline.
Comment: This sequence change affects codon 46 of the FERMT1 mRNA. It is a 'silent' change, meaning that it does not change the encoded amino acid sequence of the FERMT1 protein. This variant is present in population databases (no rsID available, gnomAD 0.0009%). This variant has not been reported in the literature in individuals affected with FERMT1-related conditions. Algorithms developed to predict the effect of sequence changes on RNA splicing suggest that this variant may disrupt the consensus splice site. In summary, the available evidence is currently insufficient to determine the role of this variant in disease. Therefore, it has been classified as a Variant of Uncertain Significance.

NM_017671.5(FERMT1):c.138A>G (p.Leu46=)

Gene: FERMT1 (FERM domain containing kindlin 1; minus strand). Cytogenetic location: 20p12.3.
Variant type: single nucleotide variant.
Coding change: c.138A>G on transcript NM_017671.5 (MANE Select); coding-DNA position 138, A replaced by G.
Protein change: p.Leu46=; no amino-acid change (leucine 46 retained).
Molecular consequence: synonymous variant.
Genome position (GRCh38, 1-based): chr20:6,119,417, T>C on the plus strand (A>G on the coding strand, the complement: FERMT1 is on the minus strand). VCF-style: chr20-6119417-T-C. GRCh37 (hg19) VCF-style: chr20-6100064-T-C.
Identifiers: ClinVar variation 2112350 (VCV002112350.1), dbSNP rs1414064899, ClinGen allele CA509466326.